The following is an entry in ClinVar:

ClinVar aggregate classification (germline): Uncertain significance. Review status: criteria provided, multiple submitters, no conflicts (2 of 4 stars). 2 submissions from 2 submitters: Uncertain significance (2). Last evaluated 2023-10-27.

Conditions:
Ehlers-Danlos syndrome, type 4 (EDSVASC). Also called: Ehlers-Danlos syndrome vascular type; Ehlers Danlos syndrome, ecchymotic type; Ehlers Danlos syndrome, arterial type; Ehlers Danlos syndrome, Sack-Barabas type; Ehlers-Danlos Syndrome Type IV. Identifiers: Orphanet 286, MedGen C0268338, MONDO:0017314, OMIM 130050.

Allele frequency attached by ClinVar (database versions not stated): TOPMed below 0.00001; gnomAD 0.00001.
gnomAD v4.1: 1 of 1,606,200 alleles (0.000062%); highest among the groups gnomAD compares: Non-Finnish European, 0.000085%; no homozygotes.

Submissions (2):

All of Us Research Program, National Institutes of Health
Classification: Uncertain significance for Ehlers-Danlos syndrome, type 4. Last evaluated: 2023-10-27. Review status: criteria provided, single submitter. Criteria: ACMG Guidelines, 2015. Collection method: clinical testing. Allele origin: germline. Inheritance: Autosomal dominant inheritance. Observed: 3 variant alleles, 3 heterozygotes.
Comment: This missense variant replaces alanine with threonine at codon 220 of the COL3A1 protein. Computational prediction suggests that this variant may not impact protein structure and function (internally defined REVEL score threshold <= 0.5, PMID: 27666373). To our knowledge, functional studies have not been reported for this variant. This variant has not been reported in individuals affected with COL3A1-related disorders in the literature. This variant has not been identified in the general population by the Genome Aggregation Database (gnomAD). The available evidence is insufficient to determine the role of this variant in disease conclusively. Therefore, this variant is classified as a Variant of Uncertain Significance.

This study involves interpretation of variants in research participants for the purpose of population health screening. Participant phenotype was not available at the time of variant classification. Additional details can be found in publication PMID: 35346344, PMCID: PMC8962531

MGZ Medical Genetics Center
Classification: Uncertain significance for Ehlers-Danlos syndrome, type 4. Last evaluated: 2022-04-07. Review status: criteria provided, single submitter. Criteria: ACMG Guidelines, 2015. Collection method: clinical testing. Allele origin: germline. Affected: yes. Observed: 1 variant allele.
Comment: ACMG criteria applied: PM1, PM2_SUP, PP2, PP3

NM_000090.4(COL3A1):c.658G>A (p.Ala220Thr)

Gene: COL3A1 (collagen type III alpha 1 chain; plus strand). Cytogenetic location: 2q32.2.
Variant type: single nucleotide variant.
Coding change: c.658G>A on transcript NM_000090.4 (MANE Select); coding-DNA position 658, G replaced by A.
Protein change: p.Ala220Thr; replaces alanine 220 with threonine.
Molecular consequence: missense variant.
Genome position (GRCh38, 1-based): chr2:188,989,417, G>A. VCF-style: chr2-188989417-G-A. GRCh37 (hg19) VCF-style: chr2-189854143-G-A.
Other names: short protein forms A220T.
Identifiers: ClinVar variation 1709335 (VCV001709335.3), dbSNP rs1441778158, ClinGen allele CA349848795.